The following is an entry in ClinVar:

NM_001199138.2(NLRC4):c.734T>A (p.Phe245Tyr)

Gene: NLRC4 (NLR family CARD domain containing 4; minus strand). Cytogenetic location: 2p22.3.
Variant type: single nucleotide variant.
Coding change: c.734T>A on transcript NM_001199138.2 (MANE Select); coding-DNA position 734, T replaced by A.
Protein change: p.Phe245Tyr; replaces phenylalanine 245 with tyrosine.
Molecular consequence: missense variant. On other transcripts: intron variant (1).
Genome position (GRCh38, 1-based): chr2:32,251,130, A>T on the plus strand (T>A on the coding strand, the complement: NLRC4 is on the minus strand). VCF-style: chr2-32251130-A-T. GRCh37 (hg19) VCF-style: chr2-32476199-A-T.
Other names: c.734T>A, p.Phe245Tyr (NM_001199139.2, NM_021209.5); c.262+1289T>A (NM_001302504.1); short protein forms F245Y.
Identifiers: ClinVar variation 959228 (VCV000959228.9), dbSNP rs1687066883, ClinGen allele CA346514515.
Genomic context (GRCh38, chr2:32,251,130, plus strand): 5'-ATCAGGGCTTCGATTTCTGGGCAGTTCTGGGGCTTGAATTCATTGTAGCCATCAAGAAGG[A>T]AAAGAACCCTCTGCCGCAGCTTCAGCAGCATGGCCATGAATGTCTGCTTCCTGATTGTGC-3'
Protein context (NP_001186067.1, residues 235-255): MLLKLRQRVL[Phe245Tyr]LLDGYNEFKP

ClinVar aggregate classification (germline): Uncertain significance (1 of 4 stars; one submission).

Conditions:
Periodic fever-infantile enterocolitis-autoinflammatory syndrome. Also called: Autoinflammation with infantile enterocolitis. Identifiers: Orphanet 436166, MedGen C4015067, MONDO:0014472, OMIM 616050.
Familial cold autoinflammatory syndrome 4 (FCAS4). Identifiers: Orphanet 47045, Orphanet 576349, MedGen C4015276, MONDO:0014498, OMIM 616115.

Allele frequency attached by ClinVar (database versions not stated): gnomAD below 0.00001 and 0.00001; gnomAD exomes below 0.00001.
gnomAD v4.1: 3 of 1,614,072 alleles (0.00019%); highest among the groups gnomAD compares: South Asian, 0.0022%; no homozygotes.

Submission:

Labcorp Genetics (formerly Invitae), Labcorp
Classification: Uncertain significance for Periodic fever-infantile enterocolitis-autoinflammatory syndrome; Familial cold autoinflammatory syndrome 4. Last evaluated: 2020-01-15. Review status: criteria provided, single submitter. Criteria: Invitae Variant Classification Sherloc (09022015). Collection method: clinical testing. Allele origin: germline.
Comment: This sequence change replaces phenylalanine with tyrosine at codon 245 of the NLRC4 protein (p.Phe245Tyr). The phenylalanine residue is highly conserved and there is a small physicochemical difference between phenylalanine and tyrosine. This variant is not present in population databases (ExAC no frequency). This variant has not been reported in the literature in individuals with NLRC4-related conditions. Algorithms developed to predict the effect of missense changes on protein structure and function are either unavailable or do not agree on the potential impact of this missense change (SIFT: "Deleterious"; PolyPhen-2: "Probably Damaging"; Align-GVGD: "Class C0"). In summary, the available evidence is currently insufficient to determine the role of this variant in disease. Therefore, it has been classified as a Variant of Uncertain Significance.